The following is an entry in ClinVar:

NM_182914.3(SYNE2):c.2591C>T (p.Ala864Val)

Gene: SYNE2 (spectrin repeat containing nuclear envelope protein 2; plus strand). Cytogenetic location: 14q23.2.
Variant type: single nucleotide variant.
Coding change: c.2591C>T on transcript NM_182914.3 (MANE Select); coding-DNA position 2591, C replaced by T.
Protein change: p.Ala864Val; replaces alanine 864 with valine.
Molecular consequence: missense variant.
Genome position (GRCh38, 1-based): chr14:63,991,060, C>T. VCF-style: chr14-63991060-C-T. GRCh37 (hg19) VCF-style: chr14-64457778-C-T.
Other names: c.2591C>T (NM_182914.2); c.2591C>T, p.Ala864Val (NM_015180.6); short protein forms A864V.
Identifiers: ClinVar variation 1935984 (VCV001935984.18), dbSNP rs1007865427, ClinGen allele CA261838627.

ClinVar aggregate classification (germline): Conflicting classifications of pathogenicity. Review status: criteria provided, conflicting classifications (1 of 4 stars). 5 submissions from 5 submitters: Uncertain significance (4); Likely benign (1). Last evaluated 2026-02-26.

Conditions:
Emery-Dreifuss muscular dystrophy 5, autosomal dominant (EDMD5). Also called: EMERY-DREIFUSS MUSCULAR DYSTROPHY 5. Identifiers: Orphanet 261, MedGen C2751805, MONDO:0013072, OMIM 612999.

Allele frequency attached by ClinVar (database versions not stated): gnomAD exomes 0.00002; gnomAD 0.00003; TOPMed 0.00004.
gnomAD v4.1: 37 of 1,613,960 alleles (0.0023%); highest among the groups gnomAD compares: Middle Eastern, 0.13%; no homozygotes.

Submissions (5):

Ambry Genetics
Classification: Uncertain significance. Last evaluated: 2026-02-26. Review status: criteria provided, single submitter. Criteria: Ambry Variant Classification Scheme 2023. Collection method: clinical testing. Allele origin: germline.
Comment: The c.2591C>T (p.A864V) alteration is located in exon 21 (coding exon 20) of the SYNE2 gene. This alteration results from a C to T substitution at nucleotide position 2591, causing the alanine (A) at amino acid position 864 to be replaced by a valine (V). Based on data from gnomAD, the T allele has an overall frequency of 0.001% (2/280848) total alleles studied. The highest observed frequency was 0.014% (1/7144) of Other alleles. Based on insufficient or conflicting evidence, the clinical significance of this alteration remains unclear.

CeGaT Center for Human Genetics Tuebingen
Classification: Likely benign. Last evaluated: 2025-09-01. Review status: criteria provided, single submitter. Criteria: CeGaT Center For Human Genetics Tuebingen Variant Classification Criteria Version 2. Collection method: clinical testing. Allele origin: germline. Affected: yes. Observed: 1 variant allele.
Comment: SYNE2: BP4

Labcorp Genetics (formerly Invitae), Labcorp
Classification: Uncertain significance for Emery-Dreifuss muscular dystrophy 5, autosomal dominant. Last evaluated: 2025-02-20. Review status: criteria provided, single submitter. Criteria: Invitae Variant Classification Sherloc (09022015). Collection method: clinical testing. Allele origin: germline.
Comment: This sequence change replaces alanine, which is neutral and non-polar, with valine, which is neutral and non-polar, at codon 864 of the SYNE2 protein (p.Ala864Val). This variant is present in population databases (no rsID available, gnomAD 0.007%). This variant has not been reported in the literature in individuals affected with SYNE2-related conditions. ClinVar contains an entry for this variant (Variation ID: 1935984). An algorithm developed to predict the effect of missense changes on protein structure and function (PolyPhen-2) suggests that this variant is likely to be disruptive. In summary, the available evidence is currently insufficient to determine the role of this variant in disease. Therefore, it has been classified as a Variant of Uncertain Significance.

Department of Pathology and Laboratory Medicine, Sinai Health System
Classification: Uncertain significance for Emery-Dreifuss muscular dystrophy 5, autosomal dominant. Last evaluated: 2021-07-30. Review status: criteria provided, single submitter. Criteria: ACMG Guidelines, 2015. Collection method: research. Allele origin: germline.

Revvity Omics, Revvity
Classification: Uncertain significance for Emery-Dreifuss muscular dystrophy 5, autosomal dominant. Last evaluated: 2019-06-28. Review status: criteria provided, single submitter. Criteria: ACMG Guidelines, 2015. Collection method: clinical testing. Allele origin: germline.